The following is an entry in ClinVar:

NM_015681.6(B9D1):c.-107A>G

Gene: B9D1 (B9 domain containing 1; minus strand). Cytogenetic location: 17p11.2.
Variant type: single nucleotide variant.
Coding change: c.-107A>G on transcript NM_015681.6 (MANE Select); 107 bases upstream of the start codon, A replaced by G.
Molecular consequence: 5 prime UTR variant. On other transcripts: intron variant (1).
Genome position (GRCh38, 1-based): chr17:19,362,676, T>C on the plus strand (A>G on the coding strand, the complement: B9D1 is on the minus strand). VCF-style: chr17-19362676-T-C. GRCh37 (hg19) VCF-style: chr17-19265989-T-C.
Other names: NM_001243473.2:c.46A>G; c.-297-2288A>G (NM_001368769.2); c.-107A>G (NM_001321214.2, NM_001321215.3, NM_001321216.2 and 4 more transcripts).
Identifiers: ClinVar variation 4934266 (VCV004934266.2).
Genomic context (GRCh38, chr17:19,362,676, plus strand): 5'-TGCTAAGAGACGCCGGCGTTGCCCTAGAAACAGACGGCGTAGCGCGCAGGACACGTTTCT[T>C]GGCAGCGACACCTTCGCGAAGGCCACGCGAGTGCGCGTGTGGCATGCGCAGGCGCAGTGA-3'

ClinVar aggregate classification (germline): Conflicting classifications of pathogenicity. Review status: criteria provided, conflicting classifications (1 of 4 stars). 2 submissions from 2 submitters: Uncertain significance (1); Likely benign (1). Last evaluated 2026-02-10.

Conditions:
B9D1-related disorder. Also called: B9D1-related condition; B9D1-related disorders.

gnomAD v4.1: 33 of 1,509,394 alleles (0.0022%); highest among the groups gnomAD compares: East Asian, 0.021%; no homozygotes.

Submissions (2):

PreventionGenetics, part of Exact Sciences
Classification: Uncertain significance for B9D1-related condition. Last evaluated: 2026-02-10. Review status: criteria provided, single submitter. Criteria: ACMG Guidelines, 2015. Collection method: clinical testing. Allele origin: germline.
Comment: The B9D1 c.46A>G variant is predicted to result in the amino acid substitution p.Lys16Glu. This variant in pre-coding in an alternative transcript NM_015681:c.-107A>G. To our knowledge, this variant has not been reported in the literature. This variant is reported in 0.028% of alleles in individuals of East Asian descent in gnomAD. At this time, the clinical significance of this variant is uncertain due to the absence of conclusive functional and genetic evidence.

Blueprint Genetics
Classification: Likely benign. Last evaluated: 2024-06-06. Review status: criteria provided, single submitter. Criteria: ACMG Guidelines, 2015. Collection method: clinical testing. Allele origin: germline.